The following is an entry in ClinVar:

ClinVar aggregate classification (germline): Uncertain significance (1 of 4 stars; one submission).

Conditions:
Cowden syndrome (CS). Also called: Cowden's disease; Cowden's syndrome; Cowden disease. Identifiers: Orphanet 201, MedGen C0018553, MONDO:0016063. Disease mechanism: gain of function.

Allele frequency attached by ClinVar (database versions not stated): gnomAD exomes below 0.00001; gnomAD 0.00001; TOPMed 0.00001.
gnomAD v4.1: 3 of 1,613,084 alleles (0.00019%); highest among the groups gnomAD compares: African/African-American, 0.0027%; no homozygotes.

Submission:

Labcorp Genetics (formerly Invitae), Labcorp
Classification: Uncertain significance for Cowden syndrome. Last evaluated: 2021-11-30. Review status: criteria provided, single submitter. Criteria: Invitae Variant Classification Sherloc (09022015). Collection method: clinical testing. Allele origin: germline.
Comment: In summary, the available evidence is currently insufficient to determine the role of this variant in disease. Therefore, it has been classified as a Variant of Uncertain Significance. Advanced modeling of protein sequence and biophysical properties (such as structural, functional, and spatial information, amino acid conservation, physicochemical variation, residue mobility, and thermodynamic stability) performed at Invitae indicates that this missense variant is not expected to disrupt PIK3CA protein function. This variant has not been reported in the literature in individuals affected with PIK3CA-related conditions. This variant is not present in population databases (gnomAD no frequency). This sequence change replaces histidine, which is basic and polar, with tyrosine, which is neutral and polar, at codon 875 of the PIK3CA protein (p.His875Tyr).

NM_006218.4(PIK3CA):c.2623C>T (p.His875Tyr)

Gene: PIK3CA (phosphatidylinositol-4,5-bisphosphate 3-kinase catalytic subunit alpha; plus strand). Cytogenetic location: 3q26.32.
Variant type: single nucleotide variant.
Coding change: c.2623C>T on transcript NM_006218.4 (MANE Select); coding-DNA position 2623, C replaced by T.
Protein change: p.His875Tyr; replaces histidine 875 with tyrosine.
Molecular consequence: missense variant.
Genome position (GRCh38, 1-based): chr3:179,229,399, C>T. VCF-style: chr3-179229399-C-T. GRCh37 (hg19) VCF-style: chr3-178947187-C-T.
Other names: short protein forms H875Y.
Identifiers: ClinVar variation 1501737 (VCV001501737.6), dbSNP rs892699659, ClinGen allele CA88534249.